The following is an entry in ClinVar:

ClinVar aggregate classification (germline): Uncertain significance. Review status: criteria provided, multiple submitters, no conflicts (2 of 4 stars). 2 submissions from 2 submitters: Uncertain significance (2). Last evaluated 2025-08-12.

Conditions:
Neurofibromatosis, type 2 (SWNV). Also called: BILATERAL ACOUSTIC NEUROFIBROMATOSIS; NF2-Related Schwannomatosis; SCHWANNOMATOSIS, VESTIBULAR. Identifiers: Orphanet 637, MedGen C0027832, MONDO:0007039, OMIM 101000. Disease mechanism: loss of function.
Hereditary cancer-predisposing syndrome. Also called: Tumor predisposition; Neoplastic Syndromes, Hereditary; Hereditary Cancer Syndrome; Hereditary neoplastic syndrome. Identifiers: Orphanet 140162, MedGen C0027672, MeSH D009386, MONDO:0015356.

Allele frequency attached by ClinVar (database versions not stated): gnomAD exomes below 0.00001.
gnomAD v4.1: 2 of 1,614,186 alleles (0.00012%); highest among the groups gnomAD compares: South Asian, 0.0022%; no homozygotes.

Submissions (2):

Ambry Genetics
Classification: Uncertain significance for Hereditary cancer-predisposing syndrome. Last evaluated: 2025-08-12. Review status: criteria provided, single submitter. Criteria: Ambry Variant Classification Scheme 2023. Collection method: clinical testing. Allele origin: germline.
Comment: The p.T67I variant (also known as c.200C>T), located in coding exon 2 of the NF2 gene, results from a C to T substitution at nucleotide position 200. The threonine at codon 67 is replaced by isoleucine, an amino acid with similar properties. This amino acid position is conserved. In addition, this alteration is predicted to be tolerated by in silico analysis. Based on the available evidence, the clinical significance of this variant remains unclear.

Labcorp Genetics (formerly Invitae), Labcorp
Classification: Uncertain significance for Neurofibromatosis, type 2. Last evaluated: 2023-07-10. Review status: criteria provided, single submitter. Criteria: Invitae Variant Classification Sherloc (09022015). Collection method: clinical testing. Allele origin: germline.
Comment: This sequence change replaces threonine, which is neutral and polar, with isoleucine, which is neutral and non-polar, at codon 67 of the NF2 protein (p.Thr67Ile). This variant is not present in population databases (gnomAD no frequency). This variant has not been reported in the literature in individuals affected with NF2-related conditions. ClinVar contains an entry for this variant (Variation ID: 1386346). Advanced modeling of protein sequence and biophysical properties (such as structural, functional, and spatial information, amino acid conservation, physicochemical variation, residue mobility, and thermodynamic stability) performed at Invitae indicates that this missense variant is not expected to disrupt NF2 protein function. In summary, the available evidence is currently insufficient to determine the role of this variant in disease. Therefore, it has been classified as a Variant of Uncertain Significance.

NM_000268.4(NF2):c.200C>T (p.Thr67Ile)

Gene: NF2 (NF2, moesin-ezrin-radixin like (MERLIN) tumor suppressor; plus strand). Cytogenetic location: 22q12.2.
Variant type: single nucleotide variant.
Coding change: c.200C>T on transcript NM_000268.4 (MANE Select); coding-DNA position 200, C replaced by T.
Protein change: p.Thr67Ile; replaces threonine 67 with isoleucine.
Molecular consequence: missense variant. On other transcripts: non-coding transcript variant (1), intron variant (3).
Genome position (GRCh38, 1-based): chr22:29,636,836, C>T. VCF-style: chr22-29636836-C-T. GRCh37 (hg19) VCF-style: chr22-30032825-C-T.
Other names: c.115-2254C>T (NM_181828.3); c.115-5366C>T (NM_181830.3, NM_181831.3); c.200C>T, p.Thr67Ile (NM_016418.5, NM_181825.3, NM_181829.3 and 2 more transcripts); c.200C>T (NM_000268.3); short protein forms T67I.
Identifiers: ClinVar variation 1386346 (VCV001386346.7), dbSNP rs2146853974, ClinGen allele CA411152592.